The following is an entry in ClinVar:

NM_005787.6(ALG3):c.50C>T (p.Ala17Val)

Gene: ALG3 (ALG3 alpha-1,3- mannosyltransferase; minus strand). Cytogenetic location: 3q27.1.
Variant type: single nucleotide variant.
Coding change: c.50C>T on transcript NM_005787.6 (MANE Select); coding-DNA position 50, C replaced by T.
Protein change: p.Ala17Val; replaces alanine 17 with valine.
Molecular consequence: missense variant. On other transcripts: non-coding transcript variant (2), intron variant (1).
Genome position (GRCh38, 1-based): chr3:184,248,891, G>A on the plus strand (C>T on the coding strand, the complement: ALG3 is on the minus strand). VCF-style: chr3-184248891-G-A. GRCh37 (hg19) VCF-style: chr3-183966679-G-A.
Other names: c.50C>T (NM_005787.5); c.-19C>T (NM_001006942.1); c.52+335C>T (NM_001006941.2); short protein forms A17V.
Identifiers: ClinVar variation 2066390 (VCV002066390.3), dbSNP rs776497657, ClinGen allele CA2729666.

ClinVar aggregate classification (germline): Uncertain significance. Review status: criteria provided, multiple submitters, no conflicts (2 of 4 stars). 2 submissions from 2 submitters: Uncertain significance (2). Last evaluated 2025-06-09.

Conditions:
ALG3-congenital disorder of glycosylation. Also called: CDG Id; CARBOHYDRATE-DEFICIENT GLYCOPROTEIN SYNDROME, TYPE IV; CDGS, TYPE IV; ALG3-CDG; CONGENITAL DISORDER OF GLYCOSYLATION, TYPE Id. Identifiers: Orphanet 79321, MedGen C1832736, MONDO:0010998, OMIM 601110.

Submissions (2):

Labcorp Genetics (formerly Invitae), Labcorp
Classification: Uncertain significance for ALG3-congenital disorder of glycosylation. Last evaluated: 2025-06-09. Review status: criteria provided, single submitter. Criteria: Invitae Variant Classification Sherloc (09022015). Collection method: clinical testing. Allele origin: germline.
Comment: This sequence change replaces alanine, which is neutral and non-polar, with valine, which is neutral and non-polar, at codon 17 of the ALG3 protein (p.Ala17Val). The frequency data for this variant in the population databases is considered unreliable, as metrics indicate poor data quality at this position in the gnomAD database. This variant has not been reported in the literature in individuals affected with ALG3-related conditions. ClinVar contains an entry for this variant (Variation ID: 2066390). An algorithm developed to predict the effect of missense changes on protein structure and function outputs the following: PolyPhen-2: "Benign". The valine amino acid residue is found in multiple mammalian species, which suggests that this missense change does not adversely affect protein function. In summary, the available evidence is currently insufficient to determine the role of this variant in disease. Therefore, it has been classified as a Variant of Uncertain Significance.

GeneDx
Classification: Uncertain significance. Last evaluated: 2023-09-08. Review status: criteria provided, single submitter. Criteria: GeneDx Variant Classification Process June 2021. Collection method: clinical testing. Allele origin: germline. Affected: yes.
Comment: Not observed at significant frequency in large population cohorts (gnomAD); In silico analysis supports that this missense variant does not alter protein structure/function; Has not been previously published as pathogenic or benign to our knowledge